The following is an entry in ClinVar:

NM_199420.4(POLQ):c.1186C>G (p.Arg396Gly)

Gene: POLQ (DNA polymerase theta; minus strand). Cytogenetic location: 3q13.33.
Variant type: single nucleotide variant.
Coding change: c.1186C>G on transcript NM_199420.4 (MANE Select); coding-DNA position 1186, C replaced by G.
Protein change: p.Arg396Gly; replaces arginine 396 with glycine.
Molecular consequence: missense variant.
Genome position (GRCh38, 1-based): chr3:121,522,072, G>C on the plus strand (C>G on the coding strand, the complement: POLQ is on the minus strand). VCF-style: chr3-121522072-G-C. GRCh37 (hg19) VCF-style: chr3-121240919-G-C.
Other names: short protein forms R396G.
Identifiers: ClinVar variation 1743486 (VCV001743486.2), dbSNP rs774439685, ClinGen allele CA354121673.

ClinVar aggregate classification (germline): Uncertain significance (1 of 4 stars; one submission).

gnomAD v4.1: 2 of 1,609,718 alleles (0.00012%); highest among the groups gnomAD compares: Admixed American, 0.0017%; no homozygotes.

Submission:

Ambry Genetics
Classification: Uncertain significance. Last evaluated: 2023-09-23. Review status: criteria provided, single submitter. Criteria: Ambry Variant Classification Scheme 2023. Collection method: clinical testing. Allele origin: germline.
Comment: The p.R396G variant (also known as c.1186C>G), located in coding exon 8 of the POLQ gene, results from a C to G substitution at nucleotide position 1186. The arginine at codon 396 is replaced by glycine, an amino acid with dissimilar properties. This amino acid position is conserved. In addition, this alteration is predicted to be tolerated by in silico analysis. Since supporting evidence is limited at this time, the clinical significance of this alteration remains unclear.